The following is an entry in ClinVar:

NM_000552.5(VWF):c.4258G>A (p.Ala1420Thr)

Gene: VWF (von Willebrand factor; minus strand). Cytogenetic location: 12p13.31.
Variant type: single nucleotide variant.
Coding change: c.4258G>A on transcript NM_000552.5 (MANE Select); coding-DNA position 4258, G replaced by A.
Protein change: p.Ala1420Thr; replaces alanine 1420 with threonine.
Molecular consequence: missense variant.
Genome position (GRCh38, 1-based): chr12:6,019,160, C>T on the plus strand (G>A on the coding strand, the complement: VWF is on the minus strand). VCF-style: chr12-6019160-C-T. GRCh37 (hg19) VCF-style: chr12-6128326-C-T.
Other names: c.4258G>A (NM_000552.4); short protein forms A1420T.
Identifiers: ClinVar variation 2389507 (VCV002389507.5), dbSNP rs765274536, ClinGen allele CA6402564.

ClinVar aggregate classification (germline): Uncertain significance. Review status: criteria provided, multiple submitters, no conflicts (2 of 4 stars). 3 submissions from 3 submitters: Uncertain significance (3). Last evaluated 2024-07-16.

Conditions:
Inborn genetic diseases. Identifiers: MedGen C0950123, MeSH D030342.
VWF-related disorder. Also called: VWF-related disorders; VWF-related condition.

Allele frequency attached by ClinVar (database versions not stated): gnomAD exomes below 0.00001; ExAC 0.00001; gnomAD 0.00001.
gnomAD v4.1: 6 of 1,613,838 alleles (0.00037%); highest among the groups gnomAD compares: East Asian, 0.0067%; no homozygotes.

Submissions (3):

Ambry Genetics
Classification: Uncertain significance for Inborn genetic diseases. Last evaluated: 2024-07-16. Review status: criteria provided, single submitter. Criteria: Ambry Variant Classification Scheme 2023. Collection method: clinical testing. Allele origin: germline.

PreventionGenetics, part of Exact Sciences
Classification: Uncertain significance for VWF-related condition. Last evaluated: 2023-10-08. Review status: criteria provided, single submitter. Criteria: ACMG Guidelines, 2015. Collection method: clinical testing. Allele origin: germline.
Comment: The VWF c.4258G>A variant is predicted to result in the amino acid substitution p.Ala1420Thr. To our knowledge, this variant has not been reported in the literature. This variant is reported in 0.0054% of alleles in individuals of East Asian descent in gnomAD. At this time, the clinical significance of this variant is uncertain due to the absence of conclusive functional and genetic evidence.

Quest Diagnostics Nichols Institute San Juan Capistrano
Classification: Uncertain significance. Last evaluated: 2023-03-09. Review status: criteria provided, single submitter. Criteria: Quest Diagnostics criteria. Collection method: clinical testing. Allele origin: unknown.
Comment: The variant has not been reported in the published literature. The frequency of this variant in the general population, 0.000004 (1/251150 chromosomes), is uninformative in assessment of its pathogenicity. Analysis of this variant using bioinformatics tools for the prediction of the effect of amino acid changes on protein structure and function yielded predictions that this variant is benign. Based on the available information, we are unable to determine the clinical significance of this variant.